The following is an entry in ClinVar:

NM_005157.6(ABL1):c.280A>C (p.Asn94His)

Gene: ABL1 (ABL proto-oncogene 1, non-receptor tyrosine kinase; plus strand). Cytogenetic location: 9q34.12.
Variant type: single nucleotide variant.
Coding change: c.280A>C on transcript NM_005157.6 (MANE Select); coding-DNA position 280, A replaced by C.
Protein change: p.Asn94His; replaces asparagine 94 with histidine.
Molecular consequence: missense variant.
Genome position (GRCh38, 1-based): chr9:130,854,827, A>C. VCF-style: chr9-130854827-A-C. GRCh37 (hg19) VCF-style: chr9-133730214-A-C.
Other names: c.337A>C, p.Asn113His (NM_007313.3); short protein forms N113H, N94H.
Identifiers: ClinVar variation 4797146 (VCV004797146.1).
Genomic context (GRCh38, chr9:130,854,827, plus strand): 5'-GCTGATATGTCTGATTTGGTTCCTTTCTTCTCAGGTGAAAAGCTCCGGGTCTTAGGCTAT[A>C]ATCACAATGGGGAATGGTGTGAAGCCCAAACCAAAAATGGCCAAGGCTGGGTCCCAAGCA-3'
Protein context (NP_005148.2, residues 84-104): KGEKLRVLGY[Asn94His]HNGEWCEAQT

ClinVar aggregate classification (germline): Uncertain significance (1 of 4 stars; one submission).

Submission:

Labcorp Genetics (formerly Invitae), Labcorp
Classification: Uncertain significance. Last evaluated: 2025-02-19. Review status: criteria provided, single submitter. Criteria: Invitae Variant Classification Sherloc (09022015). Collection method: clinical testing. Allele origin: germline.
Comment: This sequence change replaces asparagine, which is neutral and polar, with histidine, which is basic and polar, at codon 113 of the ABL1 protein (p.Asn113His). This variant is not present in population databases (gnomAD no frequency). This variant has not been reported in the literature in individuals affected with ABL1-related conditions. Invitae Evidence Modeling of protein sequence and biophysical properties (such as structural, functional, and spatial information, amino acid conservation, physicochemical variation, residue mobility, and thermodynamic stability) indicates that this missense variant is expected to disrupt ABL1 protein function with a positive predictive value of 80%. In summary, the available evidence is currently insufficient to determine the role of this variant in disease. Therefore, it has been classified as a Variant of Uncertain Significance.